The following is an entry in ClinVar:

ClinVar aggregate classification (germline): Uncertain significance (1 of 4 stars; one submission).

gnomAD v4.1: 2 of 1,614,100 alleles (0.00012%); highest among the groups gnomAD compares: Non-Finnish European, 0.00017%; no homozygotes.

Submission:

Labcorp Genetics (formerly Invitae), Labcorp
Classification: Uncertain significance. Last evaluated: 2021-12-24. Review status: criteria provided, single submitter. Criteria: Invitae Variant Classification Sherloc (09022015). Collection method: clinical testing. Allele origin: germline.
Comment: This sequence change replaces glutamine, which is neutral and polar, with glutamic acid, which is acidic and polar, at codon 450 of the FLAD1 protein (p.Gln450Glu). This variant is present in population databases (no rsID available, gnomAD 0.0009%). This variant has not been reported in the literature in individuals affected with FLAD1-related conditions. Algorithms developed to predict the effect of missense changes on protein structure and function (SIFT, PolyPhen-2, Align-GVGD) all suggest that this variant is likely to be tolerated. In summary, the available evidence is currently insufficient to determine the role of this variant in disease. Therefore, it has been classified as a Variant of Uncertain Significance.

NM_025207.5(FLAD1):c.1348C>G (p.Gln450Glu)

Gene: FLAD1 (flavin adenine dinucleotide synthetase 1; plus strand). Cytogenetic location: 1q21.3.
Variant type: single nucleotide variant.
Coding change: c.1348C>G on transcript NM_025207.5 (MANE Select); coding-DNA position 1348, C replaced by G.
Protein change: p.Gln450Glu; replaces glutamine 450 with glutamic acid.
Molecular consequence: missense variant.
Genome position (GRCh38, 1-based): chr1:154,990,241, C>G. VCF-style: chr1-154990241-C-G. GRCh37 (hg19) VCF-style: chr1-154962717-C-G.
Other names: c.1057C>G, p.Gln353Glu (NM_001184891.2, NM_201398.3); short protein forms Q450E, Q353E.
Identifiers: ClinVar variation 1908085 (VCV001908085.5), dbSNP rs1242090901, ClinGen allele CA342751818.